The following is an entry in ClinVar:

ClinVar aggregate classification (germline): Uncertain significance (1 of 4 stars; one submission).

Conditions:
Inborn genetic diseases. Identifiers: MedGen C0950123, MeSH D030342.

gnomAD v4.1: 16 of 1,558,512 alleles (0.001%); highest among the groups gnomAD compares: African/African-American, 0.022%; no homozygotes.

Submission:

Ambry Genetics
Classification: Uncertain significance for Inborn genetic diseases. Last evaluated: 2025-09-28. Review status: criteria provided, single submitter. Criteria: Ambry Variant Classification Scheme 2023. Collection method: clinical testing. Allele origin: germline.
Comment: The c.1541C>A (p.S514Y) alteration is located in exon 12 (coding exon 11) of the LMBRD2 gene. This alteration results from a C to A substitution at nucleotide position 1541, causing the serine (S) at amino acid position 514 to be replaced by a tyrosine (Y). Based on data from gnomAD, the A allele has an overall frequency of 0.003% (9/279114) total alleles studied. The highest observed frequency was 0.036% (9/24814) of African alleles. Based on insufficient or conflicting evidence, the clinical significance of this alteration remains unclear.

NM_001007527.2(LMBRD2):c.1541C>A (p.Ser514Tyr)

Gene: LMBRD2 (LMBR1 domain containing 2; minus strand). Cytogenetic location: 5p13.2.
Variant type: single nucleotide variant.
Coding change: c.1541C>A on transcript NM_001007527.2 (MANE Select); coding-DNA position 1541, C replaced by A.
Protein change: p.Ser514Tyr; replaces serine 514 with tyrosine.
Molecular consequence: missense variant.
Genome position (GRCh38, 1-based): chr5:36,115,016, G>T on the plus strand (C>A on the coding strand, the complement: LMBRD2 is on the minus strand). VCF-style: chr5-36115016-G-T. GRCh37 (hg19) VCF-style: chr5-36115118-G-T.
Other names: short protein forms S514Y.
Identifiers: ClinVar variation 4623726 (VCV004623726.1).